The following is an entry in ClinVar:

NM_022773.4(LMF1):c.413C>G (p.Ser138Cys)

Gene: LMF1 (lipase maturation factor 1; minus strand). Cytogenetic location: 16p13.3.
Variant type: single nucleotide variant.
Coding change: c.413C>G on transcript NM_022773.4 (MANE Select); coding-DNA position 413, C replaced by G.
Protein change: p.Ser138Cys; replaces serine 138 with cysteine.
Molecular consequence: missense variant. On other transcripts: 5 prime UTR variant (3), non-coding transcript variant (1).
Genome position (GRCh38, 1-based): chr16:954,447, G>C on the plus strand (C>G on the coding strand, the complement: LMF1 is on the minus strand). VCF-style: chr16-954447-G-C. GRCh37 (hg19) VCF-style: chr16-1004447-G-C.
Other names: c.-391C>G (NM_001352017.2); c.-142C>G (NM_001352018.2); c.86C>G, p.Ser29Cys (NM_001352019.2); c.413C>G, p.Ser138Cys (NM_001352020.1); c.-293C>G (NM_001352021.2); c.413C>G (NM_022773.2); short protein forms S138C, S29C.
Identifiers: ClinVar variation 1369168 (VCV001369168.7), dbSNP rs200382562, ClinGen allele CA7797655.

ClinVar aggregate classification (germline): Conflicting classifications of pathogenicity. Review status: criteria provided, conflicting classifications (1 of 4 stars). 2 submissions from 2 submitters: Uncertain significance (1); Likely benign (1). Last evaluated 2026-05-29.

Conditions:
Cardiovascular phenotype. Identifiers: MedGen CN230736.

Allele frequency attached by ClinVar (database versions not stated): 1000 Genomes Project 0.00040; 1000 Genomes Project 30x 0.00047; gnomAD 0.00026 and 0.00029; TOPMed 0.00006; gnomAD exomes 0.00037; ExAC 0.00043.
gnomAD v4.1: 344 of 1,612,998 alleles (0.021%); highest among the groups gnomAD compares: South Asian, 0.16%; no homozygotes.

Submissions (2):

Ambry Genetics
Classification: Likely benign for Cardiovascular phenotype. Last evaluated: 2026-05-29. Review status: criteria provided, single submitter. Criteria: Ambry Variant Classification Scheme 2023. Collection method: clinical testing. Allele origin: germline.

Labcorp Genetics (formerly Invitae), Labcorp
Classification: Uncertain significance. Last evaluated: 2024-12-09. Review status: criteria provided, single submitter. Criteria: Invitae Variant Classification Sherloc (09022015). Collection method: clinical testing. Allele origin: germline.
Comment: This sequence change replaces serine, which is neutral and polar, with cysteine, which is neutral and slightly polar, at codon 138 of the LMF1 protein (p.Ser138Cys). This variant is present in population databases (rs200382562, gnomAD 0.2%). This missense change has been observed in individual(s) with hypertriglyceridemia (PMID: 30037590, 36325899). ClinVar contains an entry for this variant (Variation ID: 1369168). An algorithm developed to predict the effect of missense changes on protein structure and function (PolyPhen-2) suggests that this variant is likely to be disruptive. Experimental studies have shown that this missense change does not substantially affect LMF1 function (PMID: 30037590). In summary, the available evidence is currently insufficient to determine the role of this variant in disease. Therefore, it has been classified as a Variant of Uncertain Significance.

Literature cited by the submitters: PubMed 30037590 (cited by Ambry Genetics and Labcorp Genetics (formerly Invitae), Labcorp); PubMed 36325899 (cited by Ambry Genetics and Labcorp Genetics (formerly Invitae), Labcorp).